The following is an entry in ClinVar:

NM_001042492.3(NF1):c.4069T>C (p.Phe1357Leu)

Gene: NF1 (neurofibromin 1; plus strand). Cytogenetic location: 17q11.2.
Variant type: single nucleotide variant.
Coding change: c.4069T>C on transcript NM_001042492.3 (MANE Select); coding-DNA position 4069, T replaced by C.
Protein change: p.Phe1357Leu; replaces phenylalanine 1357 with leucine.
Molecular consequence: missense variant.
Genome position (GRCh38, 1-based): chr17:31,249,078, T>C. VCF-style: chr17-31249078-T-C. GRCh37 (hg19) VCF-style: chr17-29576096-T-C.
Other names: c.4069T>C, p.Phe1357Leu (NM_000267.4); short protein forms F1357L.
Identifiers: ClinVar variation 633339 (VCV000633339.13), dbSNP rs1207255352, ClinGen allele CA398995018.
Genomic context (GRCh38, chr17:31,249,078, plus strand): 5'-CGGAACCTCCTTCAGATGACTGAAAAGTTCTTCCATGCCATCATCAGTTCCTCCTCAGAA[T>C]TCCCCCCTCAACTTCGAAGTGTGTGCCACTGTTTATACCAGGTATGCTTACAGTTAGAGA-3'
Protein context (NP_001035957.1, residues 1347-1367): FHAIISSSSE[Phe1357Leu]PPQLRSVCHC

ClinVar aggregate classification (germline): Conflicting classifications of pathogenicity. Review status: criteria provided, conflicting classifications (1 of 4 stars). 5 submissions from 5 submitters: Likely pathogenic (1); Uncertain significance (4). Last evaluated 2025-12-26.

Conditions:
Hereditary cancer-predisposing syndrome. Also called: Hereditary Cancer Syndrome; Neoplastic Syndromes, Hereditary; Tumor predisposition; Hereditary neoplastic syndrome. Identifiers: Orphanet 140162, MedGen C0027672, MeSH D009386, MONDO:0015356.
Cardiovascular phenotype. Identifiers: MedGen CN230736.
Neurofibromatosis, type 1 (NF1). Also called: NEUROFIBROMATOSIS, TYPE I, SOMATIC; VON RECKLINGHAUSEN DISEASE; Peripheral type neurofibromatosis; Neurofibromatosis, type I. Identifiers: Orphanet 636, MedGen C0027831, MONDO:0018975, OMIM 162200. Disease mechanism: loss of function.

Allele frequency attached by ClinVar (database versions not stated): gnomAD exomes below 0.00001.
gnomAD v4.1: 3 of 1,614,152 alleles (0.00019%); highest among the groups gnomAD compares: South Asian, 0.0011%; no homozygotes.

Submissions (5):

Labcorp Genetics (formerly Invitae), Labcorp
Classification: Likely pathogenic for Neurofibromatosis, type 1. Last evaluated: 2025-12-26. Review status: criteria provided, single submitter. Criteria: Invitae Variant Classification Sherloc (09022015). Collection method: clinical testing. Allele origin: germline.
Comment: This sequence change replaces phenylalanine, which is neutral and non-polar, with leucine, which is neutral and non-polar, at codon 1357 of the NF1 protein (p.Phe1357Leu). This variant is present in population databases (no rsID available, gnomAD 0.0009%). This variant has not been reported in the literature in individuals affected with NF1-related conditions. Invitae Evidence Modeling of clinical and family history, age, sex, and reported ancestry of multiple individuals with this NF1 variant has been performed. This variant is expected to be pathogenic with a positive predictive value of at least 99%. This is a validated machine learning model that incorporates the clinical features of 1,785,918 individuals referred to our laboratory for NF1 testing. ClinVar contains an entry for this variant (Variation ID: 633339). Invitae Evidence Modeling of protein sequence and biophysical properties (such as structural, functional, and spatial information, amino acid conservation, physicochemical variation, residue mobility, and thermodynamic stability) has been performed for this missense variant. However, the output from this modeling did not meet the statistical confidence thresholds required to predict the impact of this variant on NF1 protein function. In summary, the currently available evidence indicates that the variant is pathogenic, but additional data are needed to prove that conclusively. Therefore, this variant has been classified as Likely Pathogenic.

GeneDx
Classification: Uncertain significance. Last evaluated: 2024-07-30. Review status: criteria provided, single submitter. Criteria: GeneDx Variant Classification Process June 2021. Collection method: clinical testing. Allele origin: germline. Affected: yes.
Comment: In silico analysis supports that this missense variant has a deleterious effect on protein structure/function; Has not been previously published as pathogenic or benign to our knowledge; This variant is associated with the following publications: (PMID: 25486365, 22807134)

Ambry Genetics
Classification: Uncertain significance for Cardiovascular phenotype; Hereditary cancer-predisposing syndrome. Last evaluated: 2023-05-12. Review status: criteria provided, single submitter. Criteria: Ambry Variant Classification Scheme 2023. Collection method: clinical testing. Allele origin: germline.
Comment: The p.F1357L variant (also known as c.4069T>C), located in coding exon 30 of the NF1 gene, results from a T to C substitution at nucleotide position 4069. The phenylalanine at codon 1357 is replaced by leucine, an amino acid with highly similar properties. This amino acid position is highly conserved in available vertebrate species. In addition, this alteration is predicted to be deleterious by in silico analysis. Since supporting evidence is limited at this time, the clinical significance of this alteration remains unclear.

Genome-Nilou Lab
Classification: Uncertain significance for Neurofibromatosis, type 1. Last evaluated: 2022-03-15. Review status: criteria provided, single submitter. Criteria: ACMG Guidelines, 2015. Collection method: clinical testing. Allele origin: germline. Affected: no.

Women's Health and Genetics/Laboratory Corporation of America, LabCorp
Classification: Uncertain significance. Last evaluated: 2018-09-25. Review status: criteria provided, single submitter. Criteria: LabCorp Variant Classification Summary - May 2015. Collection method: clinical testing. Allele origin: germline.
Comment: Variant summary: NF1 c.4069T>C (p.Phe1357Leu) results in a non-conservative amino acid change located in the Ras GTPase-activating domain (IPR001936) of the encoded protein sequence. Three of five in-silico tools predict a damaging effect of the variant on protein function. The variant allele was found at a frequency of 4.1e-06 in 246102 control chromosomes (gnomAD). The available data on variant occurrences in the general population are insufficient to allow any conclusion about variant significance. To our knowledge, no occurrence of c.4069T>C in individuals affected with Neurofibromatosis Type 1 and no experimental evidence demonstrating its impact on protein function have been reported. No clinical diagnostic laboratories have submitted clinical-significance assessments for this variant to ClinVar after 2014. Based on the evidence outlined above, the variant was classified as uncertain significance.